The following is an entry in ClinVar:

ClinVar aggregate classification (germline): Uncertain significance. Review status: criteria provided, multiple submitters, no conflicts (2 of 4 stars). 2 submissions from 2 submitters: Uncertain significance (2). Last evaluated 2026-04-01.

Allele frequency attached by ClinVar (database versions not stated): ExAC 0.00001; gnomAD exomes 0.00001 and below 0.00001; TOPMed 0.00003; gnomAD 0.00001.
gnomAD v4.1: 19 of 1,597,092 alleles (0.0012%); highest among the groups gnomAD compares: African/African-American, 0.004%; no homozygotes.

Submissions (2):

GeneDx
Classification: Uncertain significance. Last evaluated: 2026-04-01. Review status: criteria provided, single submitter. Criteria: GeneDx Variant Classification Process June 2021. Collection method: clinical testing. Allele origin: germline.
Comment: Not observed at significant frequency in large population cohorts (gnomAD); In silico analysis suggests that this missense variant does not alter protein structure/function; Has not been previously published as pathogenic or benign to our knowledge

Women's Health and Genetics/Laboratory Corporation of America, LabCorp
Classification: Uncertain significance. Last evaluated: 2020-12-23. Review status: criteria provided, single submitter. Criteria: LabCorp Variant Classification Summary - May 2015. Collection method: clinical testing. Allele origin: germline.
Comment: Variant summary: ADAT3 c.806C>T (p.Pro269Leu) results in a non-conservative amino acid change located in the Cytidine and deoxycytidylate deaminase domain (IPR002125) of the encoded protein sequence. Four of five in-silico tools predict a benign effect of the variant on protein function. The variant allele was found at a frequency of 4.5e-06 in 220174 control chromosomes. The available data on variant occurrences in the general population are insufficient to allow any conclusion about variant significance. To our knowledge, no occurrence of c.806C>T in individuals affected with Mental Retardation, Autosomal Recessive 36 and no experimental evidence demonstrating its impact on protein function have been reported. No clinical diagnostic laboratories have submitted clinical-significance assessments for this variant to ClinVar after 2014. Based on the evidence outlined above, the variant was classified as uncertain significance.

NM_138422.4(ADAT3):c.806C>T (p.Pro269Leu)

Genes: ADAT3 (adenosine deaminase tRNA specific 3; plus strand), SCAMP4 (secretory carrier membrane protein 4; plus strand). Cytogenetic location: 19p13.3.
Variant type: single nucleotide variant.
Coding change: c.806C>T on transcript NM_138422.4 (MANE Select); coding-DNA position 806, C replaced by T.
Protein change: p.Pro269Leu; replaces proline 269 with leucine.
Molecular consequence: missense variant. On other transcripts: intron variant (3).
Genome position (GRCh38, 1-based): chr19:1,912,853, C>T. VCF-style: chr19-1912853-C-T. GRCh37 (hg19) VCF-style: chr19-1912852-C-T.
Other names: c.758C>T, p.Pro253Leu (NM_001329533.2); c.-41-2126C>T (NM_079834.4, NM_001329540.2); c.-125-4841C>T (NM_001329539.2); c.806C>T (NM_138422.2); short protein forms P253L, P269L.
Identifiers: ClinVar variation 992199 (VCV000992199.2), dbSNP rs748493151, ClinGen allele CA9054612.
Genomic context (GRCh38, chr19:1,912,853, plus strand): 5'-CGCGCGGCCAGGGCCGCGGCACCTACGACTTCAGACCCTTCCCCGCCTGCTCCTTCGCCC[C>T]GGCCGCTGCCCCCCAGGCCGTCCGCGCAGGCGCCGTGCGTAAACTGGACGCAGACGAGGA-3'
Protein context (NP_612431.2, residues 259-279): FRPFPACSFA[Pro269Leu]AAAPQAVRAG